The following is an entry in ClinVar:

ClinVar aggregate classification (germline): Pathogenic (1 of 4 stars; one submission).

Conditions:
Ehlers-Danlos syndrome, kyphoscoliotic type 1 (EDSKSCL1). Also called: EHLERS-DANLOS SYNDROME, TYPE VIA; Ehlers-Danlos syndrome, hydroxylysine-deficient; EHLERS-DANLOS SYNDROME, OCULAR-SCOLIOTIC TYPE; PLOD1-Related Kyphoscoliotic Ehlers-Danlos Syndrome. Identifiers: Orphanet 1900, MedGen C0268342, MONDO:0016002, OMIM 225400. Disease mechanism: loss of function.

Submission:

Labcorp Genetics (formerly Invitae), Labcorp
Classification: Pathogenic for Ehlers-Danlos syndrome, kyphoscoliotic type 1. Last evaluated: 2023-07-29. Review status: criteria provided, single submitter. Criteria: Invitae Variant Classification Sherloc (09022015). Collection method: clinical testing. Allele origin: unknown.
Comment: This variant is a gross deletion of the genomic region encompassing exon(s) 15-17 of the PLOD1 gene. This variant would be expected to be in-frame, preserving the integrity of the reading frame. This variant has not been reported in the literature in individuals affected with PLOD1-related conditions. This variant disrupts a region of the PLOD1 protein in which other variant(s) (Deletion (Exon 17)) have been determined to be pathogenic (PMID: 9450904, 15666309). This suggests that this is a clinically significant region of the protein, and that variants that disrupt it are likely to be disease-causing. For these reasons, this variant has been classified as Pathogenic.

Literature cited by the submitters: PubMed 9450904; PubMed 15666309.

NC_000001.10:g.(?_12026288)_(12030937_?)del

Gene: PLOD1 (procollagen-lysine,2-oxoglutarate 5-dioxygenase 1; plus strand). Cytogenetic location: 1p36.22.
Variant type: Deletion.
Identifiers: ClinVar variation 3247667 (VCV003247667.1).